The following is an entry in ClinVar:

ClinVar aggregate classification (germline): Uncertain significance. Review status: criteria provided, multiple submitters, no conflicts (2 of 4 stars). 3 submissions from 3 submitters: Uncertain significance (3). Last evaluated 2026-06-17.

Conditions:
IFT172-related disorder. Also called: IFT172-related condition; IFT172-related disorders.
Inborn genetic diseases. Identifiers: MedGen C0950123, MeSH D030342.

Allele frequency attached by ClinVar (database versions not stated): ExAC 0.00001; TOPMed 0.00002; gnomAD 0.00003; gnomAD exomes 0.00003.
gnomAD v4.1: 46 of 1,613,946 alleles (0.0029%); highest among the groups gnomAD compares: Admixed American, 0.0067%; no homozygotes.

Submissions (3):

PreventionGenetics, part of Exact Sciences
Classification: Uncertain significance for IFT172-related condition. Last evaluated: 2026-06-17. Review status: criteria provided, single submitter. Criteria: ACMG Guidelines, 2015. Collection method: clinical testing. Allele origin: germline.
Comment: The IFT172 c.1294C>T variant is predicted to result in the amino acid substitution p.Arg432Cys. To our knowledge, this variant has not been reported in the literature. This variant is reported in 0.0056% of alleles in individuals of Latino descent in gnomAD. At this time, the clinical significance of this variant is uncertain due to the absence of conclusive functional and genetic evidence.

Ambry Genetics
Classification: Uncertain significance for Inborn genetic diseases. Last evaluated: 2024-10-29. Review status: criteria provided, single submitter. Criteria: Ambry Variant Classification Scheme 2023. Collection method: clinical testing. Allele origin: germline.

Blueprint Genetics
Classification: Uncertain significance. Last evaluated: 2022-05-06. Review status: criteria provided, single submitter. Criteria: ACMG Guidelines, 2015. Collection method: clinical testing. Allele origin: germline.

NM_015662.3(IFT172):c.1294C>T (p.Arg432Cys)

Gene: IFT172 (intraflagellar transport 172; minus strand). Cytogenetic location: 2p23.3.
Variant type: single nucleotide variant.
Coding change: c.1294C>T on transcript NM_015662.3 (MANE Select); coding-DNA position 1294, C replaced by T.
Protein change: p.Arg432Cys; replaces arginine 432 with cysteine.
Molecular consequence: missense variant.
Genome position (GRCh38, 1-based): chr2:27,477,248, G>A on the plus strand (C>T on the coding strand, the complement: IFT172 is on the minus strand). VCF-style: chr2-27477248-G-A. GRCh37 (hg19) VCF-style: chr2-27700115-G-A.
Other names: c.1294C>T, p.Arg432Cys (NM_001410739.1); c.1294C>T (NM_015662.1); short protein forms R432C.
Identifiers: ClinVar variation 3042974 (VCV003042974.5), dbSNP rs757812352, ClinGen allele CA1580716.
Genomic context (GRCh38, chr2:27,477,248, plus strand): 5'-CAGGGATTCAGAGAATCTTGTGAGGTTACCTGATGAGGTGGGGGTTCATGAATTCAGTGC[G>A]TACAGAACCCAGGGTGTCATTATTCCCATATTCCACCAGGGTTAGCTCTCCGGCATTGAA-3'
Protein context (NP_056477.1, residues 422-442): YGNNDTLGSV[Arg432Cys]TEFMNPHLIS